The following is an entry in ClinVar:

ClinVar aggregate classification (germline): Uncertain significance (1 of 4 stars; one submission).

Conditions:
Nephrolithiasis/nephrocalcinosis. Identifiers: MedGen CN580796.

Submission:

Ambry Genetics
Classification: Uncertain significance for Nephrolithiasis/nephrocalcinosis. Last evaluated: 2023-09-13. Review status: criteria provided, single submitter. Criteria: Ambry Variant Classification Scheme 2023. Collection method: clinical testing. Allele origin: germline.
Comment: The p.I162L variant (also known as c.484A>C), located in coding exon 2 of the CASR gene, results from an A to C substitution at nucleotide position 484. The isoleucine at codon 162 is replaced by leucine, an amino acid with highly similar properties. An alternate amino acid substitution at this codon, p.I162F, has been reported in a familial hypocalciuric hypercalcemia cohort; however, clinical details were limited (Vargas-Poussou R et al. J. Clin. Endocrinol. Metab., 2016 05;101:2185-95). This amino acid position is highly conserved in available vertebrate species. In addition, this alteration is predicted to be deleterious by in silico analysis. Since supporting evidence is limited at this time, the clinical significance of this alteration remains unclear.

Literature cited by the submitters: PubMed 26963950.

NM_000388.4(CASR):c.484A>C (p.Ile162Leu)

Gene: CASR (calcium sensing receptor; plus strand). Cytogenetic location: 3q21.1.
Variant type: single nucleotide variant.
Coding change: c.484A>C on transcript NM_000388.4 (MANE Select); coding-DNA position 484, A replaced by C.
Protein change: p.Ile162Leu; replaces isoleucine 162 with leucine.
Molecular consequence: missense variant.
Genome position (GRCh38, 1-based): chr3:122,257,379, A>C. VCF-style: chr3-122257379-A-C. GRCh37 (hg19) VCF-style: chr3-121976226-A-C.
Other names: c.484A>C, p.Ile162Leu (NM_001178065.2); short protein forms I162L.
Identifiers: ClinVar variation 1743546 (VCV001743546.2), dbSNP rs1044167719, ClinGen allele CA82610184.
Genomic context (GRCh38, chr3:122,257,379, plus strand): 5'-GTGGGAGCAACTGGCTCAGGCGTCTCCACGGCAGTGGCAAATCTGCTGGGGCTCTTCTAC[A>C]TTCCCCAGGTACTCAAGCCTTCTCAGGCGGGGCACTGGGAGCAGGATCAGAAGAAGCAGG-3'
Protein context (NP_000379.3, residues 152-172): AVANLLGLFY[Ile162Leu]PQVSYASSSR